The following is an entry in ClinVar:

ClinVar aggregate classification (germline): Pathogenic/Likely pathogenic. Review status: criteria provided, multiple submitters, no conflicts (2 of 4 stars). 2 submissions from 2 submitters: Pathogenic (1); Likely pathogenic (1). Last evaluated 2024-01-25.

Conditions:
Autosomal recessive spinocerebellar ataxia 12. Also called: SPINOCEREBELLAR ATAXIA WITH MENTAL RETARDATION AND EPILEPSY. Identifiers: Orphanet 284282, MedGen C3280452, MONDO:0013687, OMIM 614322.
Developmental and epileptic encephalopathy, 1 (DEE1). Also called: X-linked infantile spasms; West's syndrome; Tonic spasms with clustering, arrest of psychomotor development and hypsarrhythmia on EEG; X-Linked Infantile Spasm Syndrome; OHTAHARA SYNDROME, X-LINKED; Epileptic encephalopathy, early infantile, 1. Identifiers: MedGen C3463992, MONDO:0010632, OMIM 308350. Disease mechanism: loss of function.
WWOX-related disorder. Also called: WWOX-related condition.

Submissions (2):

Blueprint Genetics
Classification: Likely pathogenic for WWOX-related disorders. Last evaluated: 2024-01-25. Review status: criteria provided, single submitter. Criteria: ACMG Guidelines, 2015. Collection method: clinical testing. Allele origin: germline. Affected: yes. Observed: 2 variant alleles.

Labcorp Genetics (formerly Invitae), Labcorp
Classification: Pathogenic for Developmental and epileptic encephalopathy, 1; Autosomal recessive spinocerebellar ataxia 12. Last evaluated: 2023-10-25. Review status: criteria provided, single submitter. Criteria: Invitae Variant Classification Sherloc (09022015). Collection method: clinical testing. Allele origin: germline.
Comment: This sequence change affects a splice site in intron 1 of the WWOX gene. It is expected to disrupt RNA splicing. Variants that disrupt the donor or acceptor splice site typically lead to a loss of protein function (PMID: 16199547), and loss-of-function variants in WWOX are known to be pathogenic (PMID: 24456803, 25411445). Information on the frequency of this variant in the gnomAD database is not available, as this variant may be reported differently in the database. Disruption of this splice site has been observed in individuals with WWOX-related conditions (PMID: 36537114; Invitae). For these reasons, this variant has been classified as Pathogenic.

Literature cited by the submitters: PubMed 16199547 (cited by Labcorp Genetics (formerly Invitae), Labcorp); PubMed 24456803 (cited by Labcorp Genetics (formerly Invitae), Labcorp); PubMed 25411445 (cited by Labcorp Genetics (formerly Invitae), Labcorp); PubMed 36537114 (cited by Labcorp Genetics (formerly Invitae), Labcorp).

NM_016373.4(WWOX):c.107+1_107+2delinsTA

Gene: WWOX (WW domain containing oxidoreductase; plus strand). Cytogenetic location: 16q23.1.
Variant type: Indel.
Coding change: c.107+1_107+2delinsTA on transcript NM_016373.4 (MANE Select); the canonical splice donor site of the intron after coding-DNA position 107, GT replaced by TA.
Molecular consequence: splice donor variant. On other transcripts: non-coding transcript variant (2).
Genome position (GRCh38, 1-based): chr16:78,099,886-78,099,887, GT replaced by TA. VCF-style: chr16-78099886-GT-TA. GRCh37 (hg19) VCF-style: chr16-78133783-GT-TA.
Other names: c.-168+1_-168+2delinsTA (NM_001291997.2); c.107+1_107+2delinsTA (NM_130791.5).
Identifiers: ClinVar variation 2940258 (VCV002940258.4), dbSNP rs2507126639, ClinGen allele CA2740093425.
Genomic context (GRCh38, chr16:78,099,886, plus strand): 5'-CGAGCTGCCTCCGGGCTGGGAGGAGAGAACCACCAAGGACGGCTGGGTTTACTACGCCAA[GT>TA]AAGGGGGCCGCAGTGGGGCCGCGGACGCACCTGGGACCCTGCACAGCCCACGGACGCCAC-3'